The following is an entry in ClinVar:

NM_020884.7(MYH7B):c.4372C>T (p.Arg1458Trp)

Gene: MYH7B (myosin heavy chain 7B; plus strand). Cytogenetic location: 20q11.22.
Variant type: single nucleotide variant.
Coding change: c.4372C>T on transcript NM_020884.7 (MANE Select); coding-DNA position 4372, C replaced by T.
Protein change: p.Arg1458Trp; replaces arginine 1458 with tryptophan.
Molecular consequence: missense variant.
Genome position (GRCh38, 1-based): chr20:34,999,237, C>T. VCF-style: chr20-34999237-C-T. GRCh37 (hg19) VCF-style: chr20-33587040-C-T.
Other names: c.4498C>T (NM_020884.3); short protein forms R1458W.
Identifiers: ClinVar variation 3005921 (VCV003005921.4), dbSNP rs368970971, ClinGen allele CA9828088.

ClinVar aggregate classification (germline): Uncertain significance. Review status: criteria provided, multiple submitters, no conflicts (2 of 4 stars). 2 submissions from 2 submitters: Uncertain significance (2). Last evaluated 2024-12-15.

Allele frequency attached by ClinVar (database versions not stated): TOPMed 0.00004; ExAC 0.00007; ESP Exome Variant Server 0.00008.
gnomAD v4.1: 24 of 1,609,106 alleles (0.0015%); highest among the groups gnomAD compares: South Asian, 0.012%; no homozygotes.

Submissions (2):

Labcorp Genetics (formerly Invitae), Labcorp
Classification: Uncertain significance. Last evaluated: 2024-12-15. Review status: criteria provided, single submitter. Criteria: Invitae Variant Classification Sherloc (09022015). Collection method: clinical testing. Allele origin: germline.
Comment: This sequence change replaces arginine, which is basic and polar, with tryptophan, which is neutral and slightly polar, at codon 1500 of the MYH7B protein (p.Arg1500Trp). This variant is present in population databases (rs368970971, gnomAD 0.007%). This variant has not been reported in the literature in individuals affected with MYH7B-related conditions. ClinVar contains an entry for this variant (Variation ID: 3005921). Invitae Evidence Modeling of protein sequence and biophysical properties (such as structural, functional, and spatial information, amino acid conservation, physicochemical variation, residue mobility, and thermodynamic stability) indicates that this missense variant is expected to disrupt MYH7B protein function with a positive predictive value of 80%. In summary, the available evidence is currently insufficient to determine the role of this variant in disease. Therefore, it has been classified as a Variant of Uncertain Significance.

Ambry Genetics
Classification: Uncertain significance. Last evaluated: 2024-04-09. Review status: criteria provided, single submitter. Criteria: Ambry Variant Classification Scheme 2023. Collection method: clinical testing. Allele origin: germline.